The following is an entry in ClinVar:

NM_153240.5(NPHP3):c.2889A>G (p.Ile963Met)

Genes: NPHP3 (nephrocystin 3; minus strand), NPHP3-ACAD11 (NPHP3-ACAD11 readthrough (NMD candidate); minus strand). Cytogenetic location: 3q22.1.
Variant type: single nucleotide variant.
Coding change: c.2889A>G on transcript NM_153240.5 (MANE Select); coding-DNA position 2889, A replaced by G.
Protein change: p.Ile963Met; replaces isoleucine 963 with methionine.
Molecular consequence: missense variant. On other transcripts: non-coding transcript variant (1).
Genome position (GRCh38, 1-based): chr3:132,688,886, T>C on the plus strand (A>G on the coding strand, the complement: NPHP3 is on the minus strand). VCF-style: chr3-132688886-T-C. GRCh37 (hg19) VCF-style: chr3-132407730-T-C.
Other names: short protein forms I963M.
Identifiers: ClinVar variation 1060345 (VCV001060345.9), dbSNP rs2107967753, ClinGen allele CA354580233.

ClinVar aggregate classification (germline): Uncertain significance (1 of 4 stars; one submission).

Conditions:
Nephronophthisis. Also called: Juvenile Nephronophthisis. Identifiers: Orphanet 655, MedGen C0687120, MONDO:0019005, HP:0000090.

Allele frequency attached by ClinVar (database versions not stated): gnomAD exomes below 0.00001.
gnomAD v4.1: 1 of 1,614,122 alleles (0.000062%); highest among the groups gnomAD compares: East Asian, 0.0022%; no homozygotes.

Submission:

Labcorp Genetics (formerly Invitae), Labcorp
Classification: Uncertain significance for Nephronophthisis. Last evaluated: 2022-03-03. Review status: criteria provided, single submitter. Criteria: Invitae Variant Classification Sherloc (09022015). Collection method: clinical testing. Allele origin: germline.
Comment: In summary, the available evidence is currently insufficient to determine the role of this variant in disease. Therefore, it has been classified as a Variant of Uncertain Significance. Algorithms developed to predict the effect of missense changes on protein structure and function are either unavailable or do not agree on the potential impact of this missense change (SIFT: "Deleterious"; PolyPhen-2: "Benign"; Align-GVGD: "Class C0"). ClinVar contains an entry for this variant (Variation ID: 1060345). This variant has not been reported in the literature in individuals affected with NPHP3-related conditions. This variant is not present in population databases (gnomAD no frequency). This sequence change replaces isoleucine, which is neutral and non-polar, with methionine, which is neutral and non-polar, at codon 963 of the NPHP3 protein (p.Ile963Met).